The following is an entry in ClinVar:

ClinVar aggregate classification (germline): Uncertain significance (1 of 4 stars; one submission).

Conditions:
Holoprosencephaly 3 (HPE3). Identifiers: Orphanet 2162, MedGen C1840529, MONDO:0007733, OMIM 142945.

Allele frequency attached by ClinVar (database versions not stated): TOPMed below 0.00001.

Submission:

Labcorp Genetics (formerly Invitae), Labcorp
Classification: Uncertain significance for Holoprosencephaly 3. Last evaluated: 2023-06-07. Review status: criteria provided, single submitter. Criteria: Invitae Variant Classification Sherloc (09022015). Collection method: clinical testing. Allele origin: germline.
Comment: In summary, the available evidence is currently insufficient to determine the role of this variant in disease. Therefore, it has been classified as a Variant of Uncertain Significance. Advanced modeling of protein sequence and biophysical properties (such as structural, functional, and spatial information, amino acid conservation, physicochemical variation, residue mobility, and thermodynamic stability) performed at Invitae indicates that this missense variant is not expected to disrupt SHH protein function. This variant has not been reported in the literature in individuals affected with SHH-related conditions. This variant is not present in population databases (gnomAD no frequency). This sequence change replaces threonine, which is neutral and polar, with serine, which is neutral and polar, at codon 240 of the SHH protein (p.Thr240Ser).

NM_000193.4(SHH):c.719C>G (p.Thr240Ser)

Gene: SHH (sonic hedgehog signaling molecule; minus strand). Cytogenetic location: 7q36.3.
Variant type: single nucleotide variant.
Coding change: c.719C>G on transcript NM_000193.4 (MANE Select); coding-DNA position 719, C replaced by G.
Protein change: p.Thr240Ser; replaces threonine 240 with serine.
Molecular consequence: missense variant. On other transcripts: intron variant (1).
Genome position (GRCh38, 1-based): chr7:155,803,570, G>C on the plus strand (C>G on the coding strand, the complement: SHH is on the minus strand). VCF-style: chr7-155803570-G-C. GRCh37 (hg19) VCF-style: chr7-155596264-G-C.
Other names: c.301+2726C>G (NM_001310462.2); short protein forms T240S.
Identifiers: ClinVar variation 2817314 (VCV002817314.3), dbSNP rs1803261827, ClinGen allele CA370146302.